The following is an entry in ClinVar:

ClinVar aggregate classification (germline): Pathogenic (1 of 4 stars; one submission).

Conditions:
LAMA2-related muscular dystrophy (LAMA2-RD). Also called: Laminin alpha 2-related dystrophy. Identifiers: MedGen C5679788, MONDO:0100228.

Submission:

Labcorp Genetics (formerly Invitae), Labcorp
Classification: Pathogenic for LAMA2-related muscular dystrophy. Last evaluated: 2021-02-21. Review status: criteria provided, single submitter. Criteria: Invitae Variant Classification Sherloc (09022015). Collection method: clinical testing. Allele origin: germline.
Comment: This sequence change creates a premature translational stop signal (p.Cys314*) in the LAMA2 gene. It is expected to result in an absent or disrupted protein product. Loss-of-function variants in LAMA2 are known to be pathogenic (PMID: 18700894). This variant is not present in population databases (ExAC no frequency). This variant has not been reported in the literature in individuals with LAMA2-related conditions. For these reasons, this variant has been classified as Pathogenic.

Literature cited by the submitters: PubMed 18700894.

NM_000426.4(LAMA2):c.942T>A (p.Cys314Ter)

Gene: LAMA2 (laminin subunit alpha 2; plus strand). Cytogenetic location: 6q22.33.
Variant type: single nucleotide variant.
Coding change: c.942T>A on transcript NM_000426.4 (MANE Select); coding-DNA position 942, T replaced by A.
Protein change: p.Cys314Ter; replaces cysteine 314 with a stop codon.
Molecular consequence: nonsense.
Genome position (GRCh38, 1-based): chr6:129,149,011, T>A. VCF-style: chr6-129149011-T-A. GRCh37 (hg19) VCF-style: chr6-129470156-T-A.
Other names: c.942T>A, p.Cys314Ter (NM_001079823.2); short protein forms C314*.
Identifiers: ClinVar variation 1384157 (VCV001384157.6), dbSNP rs2114967843, ClinGen allele CA365606547.
Genomic context (GRCh38, chr6:129,149,011, plus strand): 5'-TTTGTGCTTCCTCCCTCTTTTTGACTAGAAATCTCGCTGTGAGTGTGAGCATAACACATG[T>A]GGCGATAGCTGTGATCAGTGCTGTCCAGGATTCCATCAGAAACCCTGGAGAGCTGGAACT-3'